The following is an entry in ClinVar:

NM_000426.4(LAMA2):c.3911T>A (p.Ile1304Asn)

Gene: LAMA2 (laminin subunit alpha 2; plus strand). Cytogenetic location: 6q22.33.
Variant type: single nucleotide variant.
Coding change: c.3911T>A on transcript NM_000426.4 (MANE Select); coding-DNA position 3911, T replaced by A.
Protein change: p.Ile1304Asn; replaces isoleucine 1304 with asparagine.
Molecular consequence: missense variant.
Genome position (GRCh38, 1-based): chr6:129,315,937, T>A. VCF-style: chr6-129315937-T-A. GRCh37 (hg19) VCF-style: chr6-129637082-T-A.
Other names: c.3911T>A, p.Ile1304Asn (NM_001079823.2); c.3911T>A (NM_000426.3); short protein forms I1304N.
Identifiers: ClinVar variation 1353356 (VCV001353356.6), dbSNP rs1252493254, ClinGen allele CA365613538.

ClinVar aggregate classification (germline): Uncertain significance. Review status: criteria provided, multiple submitters, no conflicts (2 of 4 stars). 3 submissions from 3 submitters: Uncertain significance (3). Last evaluated 2025-07-20.

Conditions:
LAMA2-related muscular dystrophy (LAMA2-RD). Also called: Laminin alpha 2-related dystrophy. Identifiers: MedGen C5679788, MONDO:0100228.

Allele frequency attached by ClinVar (database versions not stated): gnomAD 0.00001; TOPMed 0.00001.
gnomAD v4.1: 1 of 1,613,960 alleles (0.000062%); highest among the groups gnomAD compares: Non-Finnish European, 0.000085%; no homozygotes.

Submissions (3):

GeneDx
Classification: Uncertain significance. Last evaluated: 2025-07-20. Review status: criteria provided, single submitter. Criteria: GeneDx Variant Classification Process June 2021. Collection method: clinical testing. Allele origin: germline. Affected: yes.
Comment: Not observed at significant frequency in large population cohorts (gnomAD); In silico analysis supports that this missense variant has a deleterious effect on protein structure/function; Has not been previously published as pathogenic or benign to our knowledge

Revvity Omics, Revvity
Classification: Uncertain significance. Last evaluated: 2023-02-08. Review status: criteria provided, single submitter. Criteria: ACMG Guidelines, 2015. Collection method: clinical testing. Allele origin: germline.

Labcorp Genetics (formerly Invitae), Labcorp
Classification: Uncertain significance for LAMA2-related muscular dystrophy. Last evaluated: 2022-09-01. Review status: criteria provided, single submitter. Criteria: Invitae Variant Classification Sherloc (09022015). Collection method: clinical testing. Allele origin: germline.
Comment: This sequence change replaces isoleucine, which is neutral and non-polar, with asparagine, which is neutral and polar, at codon 1304 of the LAMA2 protein (p.Ile1304Asn). This variant is not present in population databases (gnomAD no frequency). This variant has not been reported in the literature in individuals affected with LAMA2-related conditions. ClinVar contains an entry for this variant (Variation ID: 1353356). Algorithms developed to predict the effect of missense changes on protein structure and function are either unavailable or do not agree on the potential impact of this missense change (SIFT: "Deleterious"; PolyPhen-2: "Probably Damaging"; Align-GVGD: "Class C0"). In summary, the available evidence is currently insufficient to determine the role of this variant in disease. Therefore, it has been classified as a Variant of Uncertain Significance.